The following is an entry in ClinVar:

ClinVar aggregate classification (germline): Uncertain significance (1 of 4 stars; one submission).

Allele frequency attached by ClinVar (database versions not stated): ExAC 0.00001; gnomAD exomes 0.00001; TOPMed 0.00002; gnomAD 0.00003.
gnomAD v4.1: 16 of 1,612,562 alleles (0.00099%); highest among the groups gnomAD compares: Non-Finnish European, 0.0014%; no homozygotes.

Submission:

Labcorp Genetics (formerly Invitae), Labcorp
Classification: Uncertain significance. Last evaluated: 2024-11-11. Review status: criteria provided, single submitter. Criteria: Invitae Variant Classification Sherloc (09022015). Collection method: clinical testing. Allele origin: germline.
Comment: This sequence change replaces phenylalanine, which is neutral and non-polar, with serine, which is neutral and polar, at codon 609 of the SAMD11 protein (p.Phe609Ser). This variant is present in population databases (rs765177562, gnomAD 0.002%). This variant has not been reported in the literature in individuals affected with SAMD11-related conditions. ClinVar contains an entry for this variant (Variation ID: 961813). An algorithm developed to predict the effect of missense changes on protein structure and function (PolyPhen-2) suggests that this variant is likely to be tolerated. In summary, the available evidence is currently insufficient to determine the role of this variant in disease. Therefore, it has been classified as a Variant of Uncertain Significance.

NM_001385641.1(SAMD11):c.2315T>C (p.Phe772Ser)

Gene: SAMD11 (sterile alpha motif domain containing 11; plus strand). Cytogenetic location: 1p36.33.
Variant type: single nucleotide variant.
Coding change: c.2315T>C on transcript NM_001385641.1 (MANE Select); coding-DNA position 2315, T replaced by C.
Protein change: p.Phe772Ser; replaces phenylalanine 772 with serine.
Molecular consequence: missense variant.
Genome position (GRCh38, 1-based): chr1:943,933, T>C. VCF-style: chr1-943933-T-C. GRCh37 (hg19) VCF-style: chr1-879313-T-C.
Other names: c.2318T>C, p.Phe773Ser (NM_001385640.1); c.1826T>C, p.Phe609Ser (NM_152486.4); short protein forms F609S, F772S, F773S.
Identifiers: ClinVar variation 961813 (VCV000961813.10), dbSNP rs765177562, ClinGen allele CA503331.